The following is an entry in ClinVar:

ClinVar aggregate classification (germline): Uncertain significance (1 of 4 stars; one submission).

Allele frequency attached by ClinVar (database versions not stated): gnomAD 0.00002; gnomAD exomes 0.00004; ExAC 0.00005; ESP Exome Variant Server 0.00008.
gnomAD v4.1: 59 of 1,614,034 alleles (0.0037%); highest among the groups gnomAD compares: Middle Eastern, 0.016%; no homozygotes.

Submission:

Labcorp Genetics (formerly Invitae), Labcorp
Classification: Uncertain significance. Last evaluated: 2024-11-11. Review status: criteria provided, single submitter. Criteria: Invitae Variant Classification Sherloc (09022015). Collection method: clinical testing. Allele origin: germline.
Comment: This sequence change replaces arginine, which is basic and polar, with tryptophan, which is neutral and slightly polar, at codon 308 of the FAT2 protein (p.Arg308Trp). This variant is present in population databases (rs370670557, gnomAD 0.01%). This variant has not been reported in the literature in individuals affected with FAT2-related conditions. ClinVar contains an entry for this variant (Variation ID: 1922490). An algorithm developed to predict the effect of missense changes on protein structure and function (PolyPhen-2) suggests that this variant is likely to be disruptive. In summary, the available evidence is currently insufficient to determine the role of this variant in disease. Therefore, it has been classified as a Variant of Uncertain Significance.

NM_001447.3(FAT2):c.922C>T (p.Arg308Trp)

Gene: FAT2 (FAT atypical cadherin 2; minus strand). Cytogenetic location: 5q33.1.
Variant type: single nucleotide variant.
Coding change: c.922C>T on transcript NM_001447.3 (MANE Select); coding-DNA position 922, C replaced by T.
Protein change: p.Arg308Trp; replaces arginine 308 with tryptophan.
Molecular consequence: missense variant.
Genome position (GRCh38, 1-based): chr5:151,568,010, G>A on the plus strand (C>T on the coding strand, the complement: FAT2 is on the minus strand). VCF-style: chr5-151568010-G-A. GRCh37 (hg19) VCF-style: chr5-150947571-G-A.
Other names: short protein forms R308W.
Identifiers: ClinVar variation 1922490 (VCV001922490.5), dbSNP rs370670557, ClinGen allele CA3522349.
Genomic context (GRCh38, chr5:151,568,010, plus strand): 5'-CATGAAGGTACTCCATCCAGTTGATGTCTTTGACAGACACCAAACTGAACTCATTGCTCC[G>A]GGCATAAGACTTGATGGCTTTGAAGTGCTTTCCAGGGTCACCACCAACAACTTCCACTGA-3'
Protein context (NP_001438.1, residues 298-318): KHFKAIKSYA[Arg308Trp]SNEFSLVSVK